The following is an entry in ClinVar:

NM_004393.6(DAG1):c.2001G>T (p.Glu667Asp)

Gene: DAG1 (dystroglycan 1; plus strand). Cytogenetic location: 3p21.31.
Variant type: single nucleotide variant.
Coding change: c.2001G>T on transcript NM_004393.6 (MANE Select); coding-DNA position 2001, G replaced by T.
Protein change: p.Glu667Asp; replaces glutamic acid 667 with aspartic acid.
Molecular consequence: missense variant.
Genome position (GRCh38, 1-based): chr3:49,532,512, G>T. VCF-style: chr3-49532512-G-T. GRCh37 (hg19) VCF-style: chr3-49569945-G-T.
Other names: c.2001G>T, p.Glu667Asp (NM_001165928.4, NM_001177634.3, NM_001177635.3 and 9 more transcripts); short protein forms E667D.
Identifiers: ClinVar variation 661034 (VCV000661034.2), dbSNP rs767648246, ClinGen allele CA2399186.

ClinVar aggregate classification (germline): Uncertain significance (1 of 4 stars; one submission).

Conditions:
Muscular dystrophy-dystroglycanopathy (congenital with brain and eye anomalies), type A9. Also called: Muscular dystrophy-dystroglycanopathy (congenital with brain and eye anomalies), type a, 9; WALKER-WARBURG SYNDROME OR MUSCLE-EYE BRAIN DISEASE, DAG1-RELATED. Identifiers: Orphanet 370997, Orphanet 899, MedGen C4225291, MONDO:0014683, OMIM 616538.
Autosomal recessive limb-girdle muscular dystrophy type 2P. Also called: MUSCULAR DYSTROPHY-DYSTROGLYCANOPATHY, LIMB-GIRDLE, DAG1-RELATED; Limb-Girdle Muscular Dystrophy Type 9C; MUSCULAR DYSTROPHY, LIMB-GIRDLE, TYPE 2P. Identifiers: Orphanet 280333, MedGen C4511963, MONDO:0013440, OMIM 613818.

Allele frequency attached by ClinVar (database versions not stated): gnomAD exomes below 0.00001; ExAC 0.00001.
gnomAD v4.1: 1 of 1,614,176 alleles (0.000062%); highest among the groups gnomAD compares: Middle Eastern, 0.016%; no homozygotes.

Submission:

Labcorp Genetics (formerly Invitae), Labcorp
Classification: Uncertain significance for Limb-girdle muscular dystrophy-dystroglycanopathy, type C9; Muscular dystrophy-dystroglycanopathy (congenital with brain and eye anomalies), type a, 9. Last evaluated: 2018-10-09. Review status: criteria provided, single submitter. Criteria: Invitae Variant Classification Sherloc (09022015). Collection method: clinical testing. Allele origin: germline.
Comment: This sequence change replaces glutamic acid with aspartic acid at codon 667 of the DAG1 protein (p.Glu667Asp). The glutamic acid residue is moderately conserved and there is a small physicochemical difference between glutamic acid and aspartic acid. This variant is present in population databases (rs767648246, ExAC 0.002%). This variant has not been reported in the literature in individuals with DAG1-related disease. Algorithms developed to predict the effect of missense changes on protein structure and function output the following: SIFT: "Tolerated"; PolyPhen-2: "Benign"; Align-GVGD: "Class C0". The aspartic acid amino acid residue is found in multiple mammalian species, suggesting that this missense change does not adversely affect protein function. These predictions have not been confirmed by published functional studies and their clinical significance is uncertain. In summary, the available evidence is currently insufficient to determine the role of this variant in disease. Therefore, it has been classified as a Variant of Uncertain Significance.